The following is an entry in ClinVar:

ClinVar aggregate classification (germline): Uncertain significance (1 of 4 stars; one submission).

Submission:

Labcorp Genetics (formerly Invitae), Labcorp
Classification: Uncertain significance. Last evaluated: 2025-04-28. Review status: criteria provided, single submitter. Criteria: Invitae Variant Classification Sherloc (09022015). Collection method: clinical testing. Allele origin: germline.
Comment: This sequence change replaces leucine, which is neutral and non-polar, with phenylalanine, which is neutral and non-polar, at codon 432 of the CARMIL2 protein (p.Leu432Phe). This variant is not present in population databases (gnomAD no frequency). This variant has not been reported in the literature in individuals affected with CARMIL2-related conditions. Invitae Evidence Modeling of protein sequence and biophysical properties (such as structural, functional, and spatial information, amino acid conservation, physicochemical variation, residue mobility, and thermodynamic stability) indicates that this missense variant is expected to disrupt CARMIL2 protein function with a positive predictive value of 80%. In summary, the available evidence is currently insufficient to determine the role of this variant in disease. Therefore, it has been classified as a Variant of Uncertain Significance.

NM_001013838.3(CARMIL2):c.1294C>T (p.Leu432Phe)

Gene: CARMIL2 (capping protein regulator and myosin 1 linker 2; plus strand). Cytogenetic location: 16q22.1.
Variant type: single nucleotide variant.
Coding change: c.1294C>T on transcript NM_001013838.3 (MANE Select); coding-DNA position 1294, C replaced by T.
Protein change: p.Leu432Phe; replaces leucine 432 with phenylalanine.
Molecular consequence: missense variant.
Genome position (GRCh38, 1-based): chr16:67,648,274, C>T. VCF-style: chr16-67648274-C-T. GRCh37 (hg19) VCF-style: chr16-67682177-C-T.
Other names: c.1186C>T, p.Leu396Phe (NM_001317026.3, NM_001438244.1, NM_001438835.1); short protein forms L396F, L432F.
Identifiers: ClinVar variation 4744738 (VCV004744738.1).
Genomic context (GRCh38, chr16:67,648,274, plus strand): 5'-GTAGCCAACAGCCTCCCCCCGCAGCTCTTCGCAGCGGTATCCCGAGGCTGCTGCACCAGC[C>T]TTACCCACCTCGACGCTTCGAGGAACGTCTTCTCCCGCACGTAAGGGGGACCTGTCGGGG-3'
Protein context (NP_001013860.1, residues 422-442): AAVSRGCCTS[Leu432Phe]THLDASRNVF